The following is an entry in ClinVar:

ClinVar aggregate classification (germline): Likely benign. Review status: criteria provided, multiple submitters, no conflicts (2 of 4 stars). 2 submissions from 2 submitters: Likely benign (2). Last evaluated 2025-08-11.

Conditions:
Developmental and epileptic encephalopathy, 14 (DEE14). Also called: Early infantile epileptic encephalopathy 14. Identifiers: Orphanet 293181, MedGen C3554195, MONDO:0013989, OMIM 614959.
Autosomal dominant nocturnal frontal lobe epilepsy 5. Also called: CILIARY DYSKINESIA, PRIMARY, 28, WITH SITUS INVERSUS; Epilepsy, nocturnal frontal lobe, 5; CILIARY DYSKINESIA, PRIMARY, 28, WITHOUT SITUS INVERSUS; KCNT1-Related Epilepsy. Identifiers: Orphanet 98784, MedGen C3554306, MONDO:0014002, OMIM 615005.

Submissions (2):

Labcorp Genetics (formerly Invitae), Labcorp
Classification: Likely benign for Autosomal dominant nocturnal frontal lobe epilepsy 5; Developmental and epileptic encephalopathy, 14. Last evaluated: 2025-08-11. Review status: criteria provided, single submitter. Criteria: Invitae Variant Classification Sherloc (09022015). Collection method: clinical testing. Allele origin: germline.

GeneDx
Classification: Likely benign. Last evaluated: 2016-08-23. Review status: criteria provided, single submitter. Criteria: GeneDx Variant Classification (06012015). Collection method: clinical testing. Allele origin: germline. Affected: yes.
Comment: This variant is considered likely benign or benign based on one or more of the following criteria: it is a conservative change, it occurs at a poorly conserved position in the protein, it is predicted to be benign by multiple in silico algorithms, and/or has population frequency not consistent with disease.

NM_020822.3(KCNT1):c.1619+20_1619+27del

Gene: KCNT1 (potassium sodium-activated channel subfamily T member 1; plus strand). Cytogenetic location: 9q34.3.
Variant type: Deletion.
Coding change: c.1619+20_1619+27del on transcript NM_020822.3 (MANE Select); bases 20 to 27 of the intron after coding-DNA position 1619, 8 bases deleted (GGGGACCG; older notation c.1619+20_1619+27delGGGGACCG).
Molecular consequence: intron variant.
Genome position (GRCh38, 1-based): chr9:135,770,075-135,770,082, GGGGACCG deleted; deleting any 8 consecutive bases within chr9:135,770,072-135,770,082 gives the same sequence; the c. name uses the placement nearest the transcript's 3' end. VCF-style (leftmost placement, unchanged base first): chr9-135770071-CCCGGGGGA-C. GRCh37 (hg19) VCF-style: chr9-138661917-CCCGGGGGA-C.
Other names: c.1484+20_1484+27del (NM_001272003.2); c.1619+20_1619+27delGGGGACCG (NM_020822.2).
Identifiers: ClinVar variation 422069 (VCV000422069.6), dbSNP rs1064795535, ClinGen allele CA16618795.
Genomic context (GRCh38, chr9:135,770,071, plus strand): 5'-GACCTCCACCCTCATCACCCTGCTGGTGCACACGTCCCGCGGCCAGTGAGTGCCCCGTGC[CCCGGGGGA>C]CCGACCTCCATGGCGGGGCCGGCGCAGGGAGACAACGCAGGGCCTGCTTGGGGGCGGGGA-3'